The following is an entry in ClinVar:

ClinVar aggregate classification (germline): Pathogenic (1 of 4 stars; one submission).

Submission:

GeneDx
Classification: Pathogenic. Last evaluated: 2016-12-09. Review status: criteria provided, single submitter. Criteria: GeneDx Variant Classification (06012015). Collection method: clinical testing. Allele origin: germline. Affected: yes.
Comment: The c.2023delT variant in the NOTCH1 gene has not been reported previously as a pathogenic variant nor as a benign variant, to our knowledge. The c.2023delT variant causes a frameshift starting with codon Cysteine 675, changes this amino acid to a Valine residue, and creates a premature Stop codon at position 97 of the new reading frame, denoted p.Cys675ValfsX97. This variant is predicted to cause loss of normal protein function either through protein truncation or nonsense-mediated mRNA decay. The c.2023delT variant was not observed in approximately 6,400 individuals of European and African American ancestry in the NHLBI Exome Sequencing Project, indicating it is not a common benign variant in these populations. We interpret c.2023delT as a pathogenic variant.

NM_017617.5(NOTCH1):c.2023del (p.Cys675fs)

Gene: NOTCH1 (notch receptor 1; minus strand). Cytogenetic location: 9q34.3.
Variant type: Deletion.
Coding change: c.2023del on transcript NM_017617.5 (MANE Select); coding-DNA position 2023, one base deleted (T; older notation c.2023delT).
Protein change: p.Cys675fs; shifts the reading frame from cysteine 675.
Molecular consequence: frameshift variant.
Genome position (GRCh38, 1-based): chr9:136,514,694, A deleted on the plus strand (T on the coding strand, the reverse complement: NOTCH1 is on the minus strand). VCF-style (leftmost placement, unchanged base first): chr9-136514693-CA-C. GRCh37 (hg19) VCF-style: chr9-139409145-CA-C.
Other names: c.2023del, p.Cys675fs (LRG_1122t1); short protein forms C675fs.
Identifiers: ClinVar variation 422753 (VCV000422753.2), dbSNP rs1064795976, ClinGen allele CA16618804.